The following is an entry in ClinVar:

ClinVar aggregate classification (germline): Likely pathogenic (1 of 4 stars; one submission).

Conditions:
Mucopolysaccharidosis type 6 (MPS6). Also called: N-ACETYLGALACTOSAMINE-4-SULFATASE DEFICIENCY; MPS VI; MPS 6; Maroteaux Lamy syndrome; ARSB DEFICIENCY; ARYLSULFATASE B DEFICIENCY. Identifiers: Orphanet 583, MedGen C0026709, MONDO:0009661, OMIM 253200.

Submission:

Laboratory of Diagnosis and Therapy of Lysosomal Disorders, University of Padova
Classification: Likely pathogenic for Mucopolysaccharidosis type 6. Last evaluated: 2018-01-01. Review status: criteria provided, single submitter. Criteria: ACMG Guidelines, 2015. Collection method: curation. Allele origin: germline. Affected: yes.
Comment: In vitro functional studies supportive of a damaging effect on the gene product (low to no ARSB activity in homozygotes; PS3); Absent from GnomAD (PM2); Multiple lines of computational evidence support a deleterious effect on the gene product (PP3)

Literature cited by the submitters: PubMed 23557332; PubMed 30118150.

NM_000046.5(ARSB):c.995T>G (p.Val332Gly)

Gene: ARSB (arylsulfatase B; minus strand). Cytogenetic location: 5q14.1.
Variant type: single nucleotide variant.
Coding change: c.995T>G on transcript NM_000046.5 (MANE Select); coding-DNA position 995, T replaced by G.
Protein change: p.Val332Gly; replaces valine 332 with glycine.
Molecular consequence: missense variant.
Genome position (GRCh38, 1-based): chr5:78,885,731, A>C on the plus strand (T>G on the coding strand, the complement: ARSB is on the minus strand). VCF-style: chr5-78885731-A-C. GRCh37 (hg19) VCF-style: chr5-78181554-A-C.
Other names: c.995T>G, p.Val332Gly (NM_198709.3); short protein forms V332G.
Identifiers: ClinVar variation 559833 (VCV000559833.1), dbSNP rs1554079312, ClinGen allele CA360343183.